The following is an entry in ClinVar:

NM_019042.5(PUS7):c.702C>A (p.Tyr234Ter)

Gene: PUS7 (pseudouridine synthase 7; minus strand). Cytogenetic location: 7q22.3.
Variant type: single nucleotide variant.
Coding change: c.702C>A on transcript NM_019042.5 (MANE Select); coding-DNA position 702, C replaced by A.
Protein change: p.Tyr234Ter; replaces tyrosine 234 with a stop codon.
Molecular consequence: nonsense.
Genome position (GRCh38, 1-based): chr7:105,502,448, G>T on the plus strand (C>A on the coding strand, the complement: PUS7 is on the minus strand). VCF-style: chr7-105502448-G-T. GRCh37 (hg19) VCF-style: chr7-105142895-G-T.
Other names: c.702C>A, p.Tyr234Ter (NM_001318163.1, NM_001318164.2); short protein forms Y234*.
Identifiers: ClinVar variation 3367106 (VCV003367106.1).

ClinVar aggregate classification (germline): Likely pathogenic (1 of 4 stars; one submission).

Conditions:
Intellectual developmental disorder with abnormal behavior, microcephaly, and short stature. Identifiers: MedGen C5193039, MONDO:0032687, OMIM 618342.

Submission:

Neuberg Centre For Genomic Medicine, NCGM
Classification: Likely pathogenic for Intellectual developmental disorder with abnormal behavior, microcephaly, and short stature. Last evaluated: 2023-05-20. Review status: criteria provided, single submitter. Criteria: ACMG Guidelines, 2015. Collection method: clinical testing. Allele origin: germline. Inheritance: Autosomal recessive inheritance. Affected: yes.
Comment: The observed stop gained c.702C>A(p.Tyr234Ter) variant in PUS7 gene has not been reported previously as a pathogenic variant nor a benign variant, to our knowledge. The c.702C>A variant is absent in gnomAD Exomes. This variant has not been submitted to the ClinVar database. Computational evidence (MutationTaster - Disease causing) predicts damaging effect on protein structure and function for this variant. The nucleotide change c.702C>A in PUS7 is predicted as conserved by GERP++ and PhyloP across 100 vertebrates. This sequence change creates a premature translational stop signal (p.Tyr234Ter) in the PUS7 gene. This variant is predicted to cause loss of normal protein function through protein truncation. Loss of function variants have been previously reported to be disease causing. For these reasons, this variant has been classified as Likely Pathogenic. In absence of another reportable variant in PUS7 gene, the molecular diagnosis is not confirmed.